The following is an entry in ClinVar:

ClinVar aggregate classification (germline): Pathogenic. Review status: criteria provided, multiple submitters, no conflicts (2 of 4 stars). 2 submissions from 2 submitters: Pathogenic (2). Last evaluated 2023-02-23.

Conditions:
Usher syndrome type 2A. Also called: RETINAL DISEASE IN USHER SYNDROME TYPE IIA, MODIFIER OF; USHER SYNDROME, TYPE IIA. Identifiers: Orphanet 231178, Orphanet 886, MedGen C1848634, MONDO:0010169, OMIM 276901.

Submissions (2):

3billion
Classification: Pathogenic for Usher syndrome type 2A. Last evaluated: 2023-02-23. Review status: criteria provided, single submitter. Criteria: ACMG Guidelines, 2015. Collection method: clinical testing. Allele origin: unknown. Affected: yes.
Comment: The variant is not observed in the gnomAD v2.1.1 dataset. This variant was predicted to result in a loss or disruption of normal protein function through nonsense-mediated decay (NMD) or protein truncation. Multiple pathogenic variants are reported downstream of the variant. The variant has been reported to be associated with USH2A related disorder (PMID: 20507924). Therefore, this variant is classified as Pathogenic according to the recommendation of ACMG/AMP guideline.

Labcorp Genetics (formerly Invitae), Labcorp
Classification: Pathogenic. Last evaluated: 2022-12-26. Review status: criteria provided, single submitter. Criteria: Invitae Variant Classification Sherloc (09022015). Collection method: clinical testing. Allele origin: germline.
Comment: For these reasons, this variant has been classified as Pathogenic. This premature translational stop signal has been observed in individual(s) with Usher syndrome (PMID: 20507924). This variant is not present in population databases (gnomAD no frequency). This sequence change creates a premature translational stop signal (p.Met1731Valfs*8) in the USH2A gene. It is expected to result in an absent or disrupted protein product. Loss-of-function variants in USH2A are known to be pathogenic (PMID: 10729113, 10909849, 20507924, 25649381).

Literature cited by the submitters: PubMed 20507924 (cited by 3billion and Labcorp Genetics (formerly Invitae), Labcorp); PubMed 10729113 (cited by Labcorp Genetics (formerly Invitae), Labcorp); PubMed 10909849 (cited by Labcorp Genetics (formerly Invitae), Labcorp); PubMed 25649381 (cited by Labcorp Genetics (formerly Invitae), Labcorp).

NM_206933.4(USH2A):c.5191_5192del (p.Met1731fs)

Genes: USH2A (usherin; minus strand), USH2A-AS2 (USH2A antisense RNA 2; plus strand). Cytogenetic location: 1q41.
Variant type: Microsatellite.
Coding change: c.5191_5192del on transcript NM_206933.4 (MANE Select); coding-DNA positions 5191 to 5192, 2 bases deleted (AT; older notation c.5191_5192delAT).
Protein change: p.Met1731fs; shifts the reading frame from methionine 1731.
Molecular consequence: frameshift variant.
Genome position (GRCh38, 1-based): chr1:216,083,562-216,083,563, AT deleted on the plus strand (AT on the coding strand, the reverse complement: USH2A is on the minus strand); deleting any 2 consecutive bases within chr1:216,083,562-216,083,567 gives the same sequence; the c. name uses the placement nearest the transcript's 3' end. VCF-style (leftmost placement, unchanged base first): chr1-216083561-CAT-C. GRCh37 (hg19) VCF-style: chr1-216256903-CAT-C.
Other names: short protein forms M1731fs.
Identifiers: ClinVar variation 2444232 (VCV002444232.4), dbSNP rs2527805362, ClinGen allele CA2580611235.
Genomic context (GRCh38, chr1:216,083,561, plus strand): 5'-TCCATTTAATTGGTCAGTTCTGAACTTAAAGGAAATCTCAAAGTTCATTCCACCATGAAA[CAT>C]ATATGGATGAAGTTCCAGGAACCCTTTAAAGATAAAAATATGTACATATTAGCATGTGTA-3'